The following is an entry in ClinVar:

NM_001164665.2(KIAA1549):c.2464G>A (p.Val822Met)

Gene: KIAA1549 (KIAA1549; minus strand). Cytogenetic location: 7q34.
Variant type: single nucleotide variant.
Coding change: c.2464G>A on transcript NM_001164665.2 (MANE Select); coding-DNA position 2464, G replaced by A.
Protein change: p.Val822Met; replaces valine 822 with methionine.
Molecular consequence: missense variant.
Genome position (GRCh38, 1-based): chr7:138,917,162, C>T on the plus strand (G>A on the coding strand, the complement: KIAA1549 is on the minus strand). VCF-style: chr7-138917162-C-T. GRCh37 (hg19) VCF-style: chr7-138601908-C-T.
Other names: c.2464G>A, p.Val822Met (NM_020910.3); short protein forms V822M.
Identifiers: ClinVar variation 2117098 (VCV002117098.4), dbSNP rs752478743, ClinGen allele CA4506505.

ClinVar aggregate classification (germline): Uncertain significance (1 of 4 stars; one submission).

Allele frequency attached by ClinVar (database versions not stated): gnomAD 0.00001.
gnomAD v4.1: 6 of 1,613,682 alleles (0.00037%); highest among the groups gnomAD compares: Admixed American, 0.0017%; no homozygotes.

Submission:

Labcorp Genetics (formerly Invitae), Labcorp
Classification: Uncertain significance. Last evaluated: 2022-03-26. Review status: criteria provided, single submitter. Criteria: Invitae Variant Classification Sherloc (09022015). Collection method: clinical testing. Allele origin: germline.
Comment: This variant has not been reported in the literature in individuals affected with KIAA1549-related conditions. The frequency data for this variant in the population databases is considered unreliable, as metrics indicate poor data quality at this position in the gnomAD database. This sequence change replaces valine, which is neutral and non-polar, with methionine, which is neutral and non-polar, at codon 822 of the KIAA1549 protein (p.Val822Met). Algorithms developed to predict the effect of missense changes on protein structure and function output the following: SIFT: "Tolerated"; PolyPhen-2: "Benign"; Align-GVGD: "Class C0". The methionine amino acid residue is found in multiple mammalian species, which suggests that this missense change does not adversely affect protein function. In summary, the available evidence is currently insufficient to determine the role of this variant in disease. Therefore, it has been classified as a Variant of Uncertain Significance.